The following is an entry in ClinVar:

NM_004859.4(CLTC):c.111del (p.Phe37fs)

Gene: CLTC (clathrin heavy chain; plus strand). Cytogenetic location: 17q23.1.
Variant type: Deletion.
Coding change: c.111del on transcript NM_004859.4 (MANE Select); coding-DNA position 111, one base deleted (C; older notation c.111delC).
Protein change: p.Phe37fs; shifts the reading frame from phenylalanine 37.
Molecular consequence: frameshift variant.
Genome position (GRCh38, 1-based): chr17:59,644,344, C deleted. VCF-style (leftmost placement, unchanged base first): chr17-59644343-TC-T. GRCh37 (hg19) VCF-style: chr17-57721704-TC-T.
Other names: c.111del, p.Phe37fs (NM_001288653.2); short protein forms F37fs.
Identifiers: ClinVar variation 1338802 (VCV001338802.1), dbSNP rs2143496899, ClinGen allele CA2573054512.
Genomic context (GRCh38, chr17:59,644,343, plus strand): 5'-ACCTGGGTATCAACCCAGCAAACATTGGCTTCAGTACCCTGACTATGGAGTCTGACAAAT[TC>T]ATCTGCATTAGAGAAAAAGTAGGAGAGCAGGCCCAGGTGGTAATCATTGATATGAATGAC-3'

ClinVar aggregate classification (germline): Likely pathogenic (1 of 4 stars; one submission).

Conditions:
Intellectual developmental disorder, autosomal dominant 56. Also called: MENTAL RETARDATION, AUTOSOMAL DOMINANT 56; Intellectual disability, autosomal dominant 56. Identifiers: MedGen C4693389, MONDO:0030922, OMIM 617854.

Submission:

Institute of Human Genetics, University of Leipzig Medical Center
Classification: Likely pathogenic for Intellectual developmental disorder, autosomal dominant 56. Last evaluated: 2022-01-20. Review status: criteria provided, single submitter. Criteria: ACMG Guidelines, 2015. Collection method: clinical testing. Allele origin: unknown. Affected: yes.
Comment: _x000D_ Criteria applied: PVS1, PM2_SUP